The following is an entry in ClinVar:

ClinVar aggregate classification (germline): Uncertain significance (1 of 4 stars; one submission).

Allele frequency attached by ClinVar (database versions not stated): gnomAD 0.00001; TOPMed 0.00001.
gnomAD v4.1: 1 of 1,606,000 alleles (0.000062%); highest among the groups gnomAD compares: South Asian, 0.0011%; no homozygotes.

Submission:

Ambry Genetics
Classification: Uncertain significance. Last evaluated: 2025-07-25. Review status: criteria provided, single submitter. Criteria: Ambry Variant Classification Scheme 2023. Collection method: clinical testing. Allele origin: germline.
Comment: The p.N786D variant (also known as c.2356A>G), located in coding exon 15 of the RINT1 gene, results from an A to G substitution at nucleotide position 2356. The asparagine at codon 786 is replaced by aspartic acid, an amino acid with highly similar properties. This amino acid position is conserved. In addition, this alteration is predicted to be tolerated by in silico analysis. Since supporting evidence is limited at this time, the clinical significance of this alteration remains unclear.

NM_021930.6(RINT1):c.2356A>G (p.Asn786Asp)

Genes: EFCAB10 (EF-hand calcium binding domain 10; minus strand), RINT1 (RAD50 interactor 1; plus strand). Cytogenetic location: 7q22.3.
Variant type: single nucleotide variant.
Coding change: c.2356A>G on transcript NM_021930.6 (MANE Select); coding-DNA position 2356, A replaced by G.
Protein change: p.Asn786Asp; replaces asparagine 786 with aspartic acid.
Molecular consequence: missense variant. On other transcripts: 3 prime UTR variant (2), non-coding transcript variant (1), intron variant (3).
Genome position (GRCh38, 1-based): chr7:105,567,288, A>G. VCF-style: chr7-105567288-A-G. GRCh37 (hg19) VCF-style: chr7-105207735-A-G.
Other names: c.*166T>C (NM_001355527.2, NM_001355529.2); c.2122A>G, p.Asn708Asp (NM_001346599.2); c.1333A>G, p.Asn445Asp (NM_001346600.2, NM_001346603.2); c.1432A>G, p.Asn478Asp (NM_001346601.2); c.360-1841T>C (NM_001355531.2); c.383+179T>C (NM_001355526.2, NM_001355530.2); short protein forms N708D, N786D, N445D, N478D.
Identifiers: ClinVar variation 1790072 (VCV001790072.3), dbSNP rs1791808390, ClinGen allele CA368815707.